The following is an entry in ClinVar:

ClinVar aggregate classification (germline): Uncertain significance (1 of 4 stars; one submission).

gnomAD v4.1: 1 of 1,613,204 alleles (0.000062%); highest among the groups gnomAD compares: African/African-American, 0.0013%; no homozygotes.

Submission:

CeGaT Center for Human Genetics Tuebingen
Classification: Uncertain significance. Last evaluated: 2026-05-01. Review status: criteria provided, single submitter. Criteria: CeGaT Center For Human Genetics Tuebingen Variant Classification Criteria Version 2. Collection method: clinical testing. Allele origin: germline. Affected: yes. Observed: 1 variant allele.
Comment: FUS: PM2, BP4

NM_004960.4(FUS):c.800-5T>C

Gene: FUS (FUS DNA/RNA binding protein; plus strand). Cytogenetic location: 16p11.2.
Variant type: single nucleotide variant.
Coding change: c.800-5T>C on transcript NM_004960.4 (MANE Select); 5 bases into the intron before coding-DNA position 800, T replaced by C.
Molecular consequence: intron variant.
Genome position (GRCh38, 1-based): chr16:31,188,320, T>C. VCF-style: chr16-31188320-T-C. GRCh37 (hg19) VCF-style: chr16-31199641-T-C.
Other names: c.788-5T>C (NM_001170937.1); c.797-5T>C (NM_001170634.1).
Identifiers: ClinVar variation 4874137 (VCV004874137.2).